The following is an entry in ClinVar:

NM_000051.4(ATM):c.7324C>G (p.Gln2442Glu)

Genes: ATM (ATM serine/threonine kinase; plus strand), C11orf65 (chromosome 11 open reading frame 65; minus strand). Cytogenetic location: 11q22.3.
Variant type: single nucleotide variant.
Coding change: c.7324C>G on transcript NM_000051.4 (MANE Select); coding-DNA position 7324, C replaced by G.
Protein change: p.Gln2442Glu; replaces glutamine 2442 with glutamic acid.
Molecular consequence: missense variant. On other transcripts: intron variant (2).
Genome position (GRCh38, 1-based): chr11:108,330,230, C>G. VCF-style: chr11-108330230-C-G. GRCh37 (hg19) VCF-style: chr11-108200957-C-G.
Other names: c.641-21159G>C (NM_001330368.2); c.*38+4990G>C (NM_001351110.2); c.7324C>G, p.Gln2442Glu (NM_001351834.2); short protein forms Q2442E.
Identifiers: ClinVar variation 4867099 (VCV004867099.1).

ClinVar aggregate classification (germline): Uncertain significance (1 of 4 stars; one submission).

Conditions:
Hereditary cancer-predisposing syndrome. Also called: Tumor predisposition; Hereditary neoplastic syndrome; Hereditary Cancer Syndrome; Neoplastic Syndromes, Hereditary. Identifiers: Orphanet 140162, MedGen C0027672, MeSH D009386, MONDO:0015356.

Submission:

Ambry Genetics
Classification: Uncertain significance for Hereditary cancer-predisposing syndrome. Last evaluated: 2026-06-09. Review status: criteria provided, single submitter. Criteria: Ambry Variant Classification Scheme 2023. Collection method: clinical testing. Allele origin: germline.
Comment: The p.Q2442E variant (also known as c.7324C>G), located in coding exon 49 of the ATM gene, results from a C to G substitution at nucleotide position 7324. The glutamine at codon 2442 is replaced by glutamic acid, an amino acid with highly similar properties. In an assay testing ATM function, this variant showed a functionally normal result (Lee KS et al. Cell, 2025 Sep;188:5081-5099.e27). This amino acid position is highly conserved in available vertebrate species. In addition, the in silico prediction for this alteration is inconclusive. Based on the available evidence, the clinical significance of this variant remains unclear.

Literature cited by the submitters: PubMed 40580951.